The following is an entry in ClinVar:

ClinVar aggregate classification (germline): Uncertain significance (1 of 4 stars; one submission).

Submission:

Labcorp Genetics (formerly Invitae), Labcorp
Classification: Uncertain significance. Last evaluated: 2024-08-29. Review status: criteria provided, single submitter. Criteria: Invitae Variant Classification Sherloc (09022015). Collection method: clinical testing. Allele origin: germline.
Comment: This variant, c.112_114del, results in the deletion of 1 amino acid(s) of the A2ML1 protein (p.Lys38del), but otherwise preserves the integrity of the reading frame. This variant is present in population databases (rs774086428, gnomAD 0.004%). This variant has not been reported in the literature in individuals affected with A2ML1-related conditions. ClinVar contains an entry for this variant (Variation ID: 1495940). Experimental studies and prediction algorithms are not available or were not evaluated, and the functional significance of this variant is currently unknown. Algorithms developed to predict the effect of sequence changes on RNA splicing suggest that this variant may disrupt the consensus splice site. In summary, the available evidence is currently insufficient to determine the role of this variant in disease. Therefore, it has been classified as a Variant of Uncertain Significance.

NM_144670.6(A2ML1):c.112_114del (p.Lys38del)

Genes: A2ML1 (alpha-2-macroglobulin like 1; plus strand), A2ML1-AS1 (A2ML1 antisense RNA 1; minus strand). Cytogenetic location: 12p13.31.
Variant type: Deletion.
Coding change: c.112_114del on transcript NM_144670.6 (MANE Select); coding-DNA positions 112 to 114, 3 bases deleted (AAG; older notation c.112_114delAAG).
Protein change: p.Lys38del; deletes lysine 38.
Molecular consequence: inframe deletion.
Genome position (GRCh38, 1-based): chr12:8,823,231-8,823,233, AAG deleted; deleting any 3 consecutive bases within chr12:8,823,229-8,823,233 gives the same sequence; the c. name uses the placement nearest the transcript's 3' end. VCF-style (leftmost placement, unchanged base first): chr12-8823228-CAGA-C. GRCh37 (hg19) VCF-style: chr12-8975824-CAGA-C.
Other names: short protein forms K38del.
Identifiers: ClinVar variation 1495940 (VCV001495940.8), dbSNP rs774086428, ClinGen allele CA6435172.